The following is an entry in ClinVar:

ClinVar aggregate classification (germline): Uncertain significance (1 of 4 stars; one submission).

Conditions:
Hereditary cancer-predisposing syndrome. Also called: Tumor predisposition; Hereditary Cancer Syndrome; Hereditary neoplastic syndrome; Neoplastic Syndromes, Hereditary. Identifiers: Orphanet 140162, MedGen C0027672, MeSH D009386, MONDO:0015356.

Submission:

Ambry Genetics
Classification: Uncertain significance for Hereditary cancer-predisposing syndrome. Last evaluated: 2023-06-28. Review status: criteria provided, single submitter. Criteria: Ambry Variant Classification Scheme 2023. Collection method: clinical testing. Allele origin: germline.
Comment: The p.S1251A variant (also known as c.3751T>G), located in coding exon 8 of the MSH6 gene, results from a T to G substitution at nucleotide position 3751. The serine at codon 1251 is replaced by alanine, an amino acid with similar properties. This amino acid position is conserved. In addition, this alteration is predicted to be deleterious by in silico analysis. Since supporting evidence is limited at this time, the clinical significance of this alteration remains unclear.

NM_000179.3(MSH6):c.3751T>G (p.Ser1251Ala)

Gene: MSH6 (mutS homolog 6; plus strand). Cytogenetic location: 2p16.3.
Variant type: single nucleotide variant.
Coding change: c.3751T>G on transcript NM_000179.3 (MANE Select); coding-DNA position 3751, T replaced by G.
Protein change: p.Ser1251Ala; replaces serine 1251 with alanine.
Molecular consequence: missense variant. On other transcripts: non-coding transcript variant (5).
Genome position (GRCh38, 1-based): chr2:47,806,308, T>G. VCF-style: chr2-47806308-T-G. GRCh37 (hg19) VCF-style: chr2-48033447-T-G.
Other names: c.3361T>G, p.Ser1121Ala (NM_001281492.2); c.2845T>G, p.Ser949Ala (NM_001281494.2, NM_001281493.2, NM_001406811.1 and 6 more transcripts); c.3847T>G, p.Ser1283Ala (NM_001406795.1, NM_001406802.1); c.3751T>G, p.Ser1251Ala (NM_001406796.1, NM_001406800.1, NM_001406808.1 and 1 more transcripts); c.3454T>G, p.Ser1152Ala (NM_001406797.1, NM_001406801.1, NM_001406805.1 and 10 more transcripts); c.3577T>G, p.Ser1193Ala (NM_001406798.1); c.3226T>G, p.Ser1076Ala (NM_001406799.1, NM_001406806.1, NM_001406807.1); c.2887T>G, p.Ser963Ala (NM_001406803.1); and 7 more; short protein forms S1251A, S200A, S1076A, S1121A, S1253A, S566A, S963A, S1193A.
Identifiers: ClinVar variation 2587328 (VCV002587328.2), dbSNP rs2104543764, ClinGen allele CA346761077.
Genomic context (GRCh38, chr2:47,806,308, plus strand): 5'-GTTGTTAAAGAACTTGCTGAGACTATAAAATGTCGTACATTATTTTCAACTCACTACCAT[T>G]CATTAGTAGAAGATTATTCTCAAAATGTTGCTGTGCGCCTAGGACATATGGTATGTGCAA-3'
Protein context (NP_000170.1, residues 1241-1261): CRTLFSTHYH[Ser1251Ala]LVEDYSQNVA